The following is an entry in ClinVar:

NM_002976.4(SCN7A):c.3712-2A>G

Gene: SCN7A (sodium voltage-gated channel alpha subunit 7; minus strand). Cytogenetic location: 2q24.3.
Variant type: single nucleotide variant.
Coding change: c.3712-2A>G on transcript NM_002976.4 (MANE Select); the canonical splice acceptor site of the intron before coding-DNA position 3712, A replaced by G.
Molecular consequence: splice acceptor variant.
Genome position (GRCh38, 1-based): chr2:166,409,937, T>C on the plus strand (A>G on the coding strand, the complement: SCN7A is on the minus strand). VCF-style: chr2-166409937-T-C. GRCh37 (hg19) VCF-style: chr2-167266447-T-C.
Other names: NC_000002.11:g.167266447T>C.
Identifiers: ClinVar variation 2651509 (VCV002651509.25), dbSNP rs62622799, ClinGen allele CA1945192.

ClinVar aggregate classification (germline): Benign (1 of 4 stars; one submission).

Allele frequency attached by ClinVar (database versions not stated): 1000 Genomes Project 30x 0.00203; 1000 Genomes Project 0.00260; TOPMed 0.00903; gnomAD 0.01043; ESP Exome Variant Server 0.01127; gnomAD exomes 0.01555; ExAC 0.02024.
gnomAD v4.1: 23,195 of 1,555,312 alleles (1.5%); highest among the groups gnomAD compares: Non-Finnish European, 1.7%; 224 homozygotes.

Submissions (17):

CeGaT Center for Human Genetics Tuebingen
Classification: Benign. Last evaluated: 2023-04-01. Review status: criteria provided, single submitter. Criteria: CeGaT Center For Human Genetics Tuebingen Variant Classification Criteria Version 2. Collection method: clinical testing. Allele origin: germline. Affected: yes. Observed: 2 variant alleles.
Comment: SCN7A: BS1, BS2

Dr. Peter K. Rogan Lab, Western University
No classification provided (evidence only). Condition: Lung cancer. Review status: no classification provided. Collection method: in vitro. Allele origin: not applicable. Functional consequence: skipped exon. Not counted in ClinVar's aggregate classification.

Dr. Peter K. Rogan Lab, Western University
No classification provided (evidence only). Condition: Lung cancer. Review status: no classification provided. Collection method: in vitro. Allele origin: not applicable. Functional consequence: skipped exon. Not counted in ClinVar's aggregate classification.

Dr. Peter K. Rogan Lab, Western University
No classification provided (evidence only). Condition: Lung cancer. Review status: no classification provided. Collection method: in vitro. Allele origin: not applicable. Functional consequence: skipped exon. Not counted in ClinVar's aggregate classification.

Dr. Peter K. Rogan Lab, Western University
No classification provided (evidence only). Condition: Lung cancer. Review status: no classification provided. Collection method: in vitro. Allele origin: not applicable. Functional consequence: skipped exon, retained intron. Not counted in ClinVar's aggregate classification.

Dr. Peter K. Rogan Lab, Western University
No classification provided (evidence only). Condition: Lung cancer. Review status: no classification provided. Collection method: in vitro. Allele origin: not applicable. Functional consequence: skipped exon, retained intron. Not counted in ClinVar's aggregate classification.

Dr. Peter K. Rogan Lab, Western University
No classification provided (evidence only). Condition: Lung cancer. Review status: no classification provided. Collection method: in vitro. Allele origin: not applicable. Functional consequence: skipped exon. Not counted in ClinVar's aggregate classification.

Dr. Peter K. Rogan Lab, Western University
No classification provided (evidence only). Condition: Familial cancer of breast. Review status: no classification provided. Collection method: in vitro. Allele origin: not applicable. Functional consequence: skipped exon. Not counted in ClinVar's aggregate classification.

Dr. Peter K. Rogan Lab, Western University
No classification provided (evidence only). Condition: Familial cancer of breast. Review status: no classification provided. Collection method: in vitro. Allele origin: not applicable. Functional consequence: retained intron. Not counted in ClinVar's aggregate classification.

Dr. Peter K. Rogan Lab, Western University
No classification provided (evidence only). Condition: Familial cancer of breast. Review status: no classification provided. Collection method: in vitro. Allele origin: not applicable. Functional consequence: skipped exon. Not counted in ClinVar's aggregate classification.

Dr. Peter K. Rogan Lab, Western University
No classification provided (evidence only). Condition: Familial cancer of breast. Review status: no classification provided. Collection method: in vitro. Allele origin: not applicable. Functional consequence: skipped exon, retained intron. Not counted in ClinVar's aggregate classification.

Dr. Peter K. Rogan Lab, Western University
No classification provided (evidence only). Condition: Colon adenocarcinoma. Review status: no classification provided. Collection method: in vitro. Allele origin: not applicable. Functional consequence: skipped exon. Not counted in ClinVar's aggregate classification.

Dr. Peter K. Rogan Lab, Western University
No classification provided (evidence only). Condition: Malignant tumor of esophagus. Review status: no classification provided. Collection method: in vitro. Allele origin: not applicable. Functional consequence: retained intron. Not counted in ClinVar's aggregate classification.

Dr. Peter K. Rogan Lab, Western University
No classification provided (evidence only). Condition: Malignant tumor of esophagus. Review status: no classification provided. Collection method: in vitro. Allele origin: not applicable. Functional consequence: skipped exon. Not counted in ClinVar's aggregate classification.

Dr. Peter K. Rogan Lab, Western University
No classification provided (evidence only). Condition: Malignant tumor of esophagus. Review status: no classification provided. Collection method: in vitro. Allele origin: not applicable. Functional consequence: skipped exon, retained intron. Not counted in ClinVar's aggregate classification.

Dr. Peter K. Rogan Lab, Western University
No classification provided (evidence only). Condition: Familial pancreatic carcinoma. Review status: no classification provided. Collection method: in vitro. Allele origin: not applicable. Functional consequence: skipped exon, retained intron. Not counted in ClinVar's aggregate classification.

Dr. Peter K. Rogan Lab, Western University
No classification provided (evidence only). Condition: Familial pancreatic carcinoma. Review status: no classification provided. Collection method: in vitro. Allele origin: not applicable. Functional consequence: skipped exon, retained intron. Not counted in ClinVar's aggregate classification.